The following is an entry in ClinVar:

NM_020919.4(ALS2):c.365A>G (p.Gln122Arg)

Gene: ALS2 (alsin Rho guanine nucleotide exchange factor ALS2; minus strand). Cytogenetic location: 2q33.1.
Variant type: single nucleotide variant.
Coding change: c.365A>G on transcript NM_020919.4 (MANE Select); coding-DNA position 365, A replaced by G.
Protein change: p.Gln122Arg; replaces glutamine 122 with arginine.
Molecular consequence: missense variant.
Genome position (GRCh38, 1-based): chr2:201,761,629, T>C on the plus strand (A>G on the coding strand, the complement: ALS2 is on the minus strand). VCF-style: chr2-201761629-T-C. GRCh37 (hg19) VCF-style: chr2-202626352-T-C.
Other names: c.365A>G, p.Gln122Arg (NM_001135745.2, NM_001410975.1); short protein forms Q122R.
Identifiers: ClinVar variation 2585228 (VCV002585228.1), dbSNP rs2469917815, ClinGen allele CA350329015.

ClinVar aggregate classification (germline): Uncertain significance (1 of 4 stars; one submission).

Conditions:
Infantile-onset ascending hereditary spastic paralysis (IAHSP). Also called: Infantile-Onset Ascending Hereditary Spastic Paralysis (IAHSP); Autosomal Recessive Juvenile Amyotrophic Lateral Sclerosis. Identifiers: Orphanet 293168, MedGen C2931441, MONDO:0011797, OMIM 607225. Disease mechanism: loss of function.

Allele frequency attached by ClinVar (database versions not stated): gnomAD exomes below 0.00001.
gnomAD v4.1: 1 of 1,614,200 alleles (0.000062%); highest among the groups gnomAD compares: Non-Finnish European, 0.000085%; no homozygotes.

Submission:

Neuberg Centre For Genomic Medicine, NCGM
Classification: Uncertain significance for Infantile-onset ascending hereditary spastic paralysis. Review status: criteria provided, single submitter. Criteria: ACMG Guidelines, 2015. Collection method: clinical testing. Allele origin: germline. Inheritance: Autosomal recessive inheritance. Affected: yes.
Comment: The missense variant in c.365A>G (p.Gln122Arg) in ALS2 gene has not been reported previously as a pathogenic variant nor as a benign variant, to our knowledge. The p.Gln122Arg variant is novel (not in any individuals) in gnomAD Exomes and 1000 Genomes. The amino acid Gln at position 122 is changed to a Arg changing protein sequence and it might alter its composition and physico-chemical properties. The variant is predicted to be damaging by both SIFT and PolyPhen2. The residue is conserved across species. The amino acid change p.Gln122Arg in ALS2 is predicted as conserved by GERP++ and PhyloP across 100 vertebrates. For these reasons, this variant has been classified as Uncertain Significance .